The following is an entry in ClinVar:

NM_006567.5(FARS2):c.388C>T (p.Leu130Phe)

Genes: FARS2 (phenylalanyl-tRNA synthetase 2, mitochondrial; plus strand), LOC126859565 (CDK7 strongly-dependent group 2 enhancer GRCh37_chr6:5368745-5369944; plus strand). Cytogenetic location: 6p25.1.
Variant type: single nucleotide variant.
Coding change: c.388C>T on transcript NM_006567.5 (MANE Select); coding-DNA position 388, C replaced by T.
Protein change: p.Leu130Phe; replaces leucine 130 with phenylalanine.
Molecular consequence: missense variant. On other transcripts: intron variant (2).
Genome position (GRCh38, 1-based): chr6:5,368,958, C>T. VCF-style: chr6-5368958-C-T. GRCh37 (hg19) VCF-style: chr6-5369191-C-T.
Other names: c.388C>T, p.Leu130Phe (NM_001318872.2, NM_001374875.1, NM_001374876.1 and 5 more transcripts); c.-340-27675C>T (NM_001375260.1); c.-84-35584C>T (NM_001375259.1); short protein forms L130F.
Identifiers: ClinVar variation 2091606 (VCV002091606.1), dbSNP rs2534753092, ClinGen allele CA362735179.

ClinVar aggregate classification (germline): Uncertain significance (1 of 4 stars; one submission).

Conditions:
Combined oxidative phosphorylation defect type 14. Also called: Combined oxidative phosphorylation deficiency 14. Identifiers: Orphanet 319519, MedGen C4755312, MONDO:0013986, OMIM 614946.

Allele frequency attached by ClinVar (database versions not stated): gnomAD exomes below 0.00001.

Submission:

Labcorp Genetics (formerly Invitae), Labcorp
Classification: Uncertain significance for Combined oxidative phosphorylation defect type 14. Last evaluated: 2022-04-28. Review status: criteria provided, single submitter. Criteria: Invitae Variant Classification Sherloc (09022015). Collection method: clinical testing. Allele origin: germline.
Comment: This sequence change replaces leucine, which is neutral and non-polar, with phenylalanine, which is neutral and non-polar, at codon 130 of the FARS2 protein (p.Leu130Phe). This variant is not present in population databases (gnomAD no frequency). This variant has not been reported in the literature in individuals affected with FARS2-related conditions. Algorithms developed to predict the effect of missense changes on protein structure and function are either unavailable or do not agree on the potential impact of this missense change (SIFT: "Tolerated"; PolyPhen-2: "Possibly Damaging"; Align-GVGD: "Class C0"). In summary, the available evidence is currently insufficient to determine the role of this variant in disease. Therefore, it has been classified as a Variant of Uncertain Significance.